The following is an entry in ClinVar:

NM_004256.4(SLC22A13):c.305G>A (p.Arg102His)

Gene: SLC22A13 (solute carrier family 22 member 13; plus strand). Cytogenetic location: 3p22.2.
Variant type: single nucleotide variant.
Coding change: c.305G>A on transcript NM_004256.4 (MANE Select); coding-DNA position 305, G replaced by A.
Protein change: p.Arg102His; replaces arginine 102 with histidine.
Molecular consequence: missense variant.
Genome position (GRCh38, 1-based): chr3:38,266,165, G>A. VCF-style: chr3-38266165-G-A. GRCh37 (hg19) VCF-style: chr3-38307656-G-A.
Other names: short protein forms R102H.
Identifiers: ClinVar variation 3770493 (VCV003770493.13).

ClinVar aggregate classification (germline): Likely benign (1 of 4 stars; one submission).

Submission:

CeGaT Center for Human Genetics Tuebingen
Classification: Likely benign. Last evaluated: 2025-02-01. Review status: criteria provided, single submitter. Criteria: CeGaT Center For Human Genetics Tuebingen Variant Classification Criteria Version 2. Collection method: clinical testing. Allele origin: germline. Affected: yes. Observed: 1 variant allele.
Comment: SLC22A13: BP4, BS2